The following is an entry in ClinVar:

ClinVar aggregate classification (germline): Uncertain significance (1 of 4 stars; one submission).

Conditions:
Inborn genetic diseases. Identifiers: MedGen C0950123, MeSH D030342.

Submission:

Ambry Genetics
Classification: Uncertain significance for Inborn genetic diseases. Last evaluated: 2026-05-14. Review status: criteria provided, single submitter. Criteria: Ambry Variant Classification Scheme 2023. Collection method: clinical testing. Allele origin: germline.
Comment: The p.A786G variant (also known as c.2357C>G), located in coding exon 26 of the FANCA gene, results from a C to G substitution at nucleotide position 2357. The alanine at codon 786 is replaced by glycine, an amino acid with similar properties. This amino acid position is conserved. In addition, the in silico prediction for this alteration is inconclusive. Based on the available evidence, the clinical significance of this variant remains unclear.

NM_000135.4(FANCA):c.2357C>G (p.Ala786Gly)

Gene: FANCA (FA complementation group A; minus strand). Cytogenetic location: 16q24.3.
Variant type: single nucleotide variant.
Coding change: c.2357C>G on transcript NM_000135.4 (MANE Select); coding-DNA position 2357, C replaced by G.
Protein change: p.Ala786Gly; replaces alanine 786 with glycine.
Molecular consequence: missense variant.
Genome position (GRCh38, 1-based): chr16:89,769,984, G>C on the plus strand (C>G on the coding strand, the complement: FANCA is on the minus strand). VCF-style: chr16-89769984-G-C. GRCh37 (hg19) VCF-style: chr16-89836392-G-C.
Other names: c.2357C>G, p.Ala786Gly (NM_001286167.3); short protein forms A786G.
Identifiers: ClinVar variation 4870874 (VCV004870874.1).